The following is an entry in ClinVar:

NM_002485.5(NBN):c.2039G>T (p.Gly680Val)

Gene: NBN (nibrin; minus strand). Cytogenetic location: 8q21.3.
Variant type: single nucleotide variant.
Coding change: c.2039G>T on transcript NM_002485.5 (MANE Select); coding-DNA position 2039, G replaced by T.
Protein change: p.Gly680Val; replaces glycine 680 with valine.
Molecular consequence: missense variant.
Genome position (GRCh38, 1-based): chr8:89,946,171, C>A on the plus strand (G>T on the coding strand, the complement: NBN is on the minus strand). VCF-style: chr8-89946171-C-A. GRCh37 (hg19) VCF-style: chr8-90958399-C-A.
Other names: c.1793G>T, p.Gly598Val (NM_001024688.3); short protein forms G598V, G680V.
Identifiers: ClinVar variation 820572 (VCV000820572.17), dbSNP rs1425101720, ClinGen allele CA371676383.

ClinVar aggregate classification (germline): Uncertain significance. Review status: criteria provided, multiple submitters, no conflicts (2 of 4 stars). 4 submissions from 4 submitters: Uncertain significance (3). 1 of the submissions does not count toward it. Last evaluated 2024-06-19.

Conditions:
Hereditary cancer-predisposing syndrome. Also called: Hereditary Cancer Syndrome; Neoplastic Syndromes, Hereditary; Hereditary neoplastic syndrome; Tumor predisposition. Identifiers: Orphanet 140162, MedGen C0027672, MeSH D009386, MONDO:0015356.
Microcephaly, normal intelligence and immunodeficiency (NBS). Also called: Nijmegen breakage syndrome; Microcephaly with normal intelligence immunodeficiency and lymphoreticular malignancies; Nonsyndromal microcephaly autosomal recessive with normal intelligence; Seemanova syndrome 2; Immunodeficiency, microcephaly with normal intelligence; Ataxia telangiectasia variant V1. Identifiers: Orphanet 647, MedGen C0398791, MONDO:0009623, OMIM 251260.

Allele frequency attached by ClinVar (database versions not stated): gnomAD exomes below 0.00001; TOPMed 0.00001.
gnomAD v4.1: 1 of 1,600,240 alleles (0.000062%); highest among the groups gnomAD compares: Non-Finnish European, 0.000086%; no homozygotes.

Submissions (4):

Ambry Genetics
Classification: Uncertain significance for Hereditary cancer-predisposing syndrome. Last evaluated: 2024-06-19. Review status: criteria provided, single submitter. Criteria: Ambry Variant Classification Scheme 2023. Collection method: clinical testing. Allele origin: germline.
Comment: The p.G680V variant (also known as c.2039G>T), located in coding exon 13 of the NBN gene, results from a G to T substitution at nucleotide position 2039. The glycine at codon 680 is replaced by valine, an amino acid with dissimilar properties. This amino acid position is well conserved in available vertebrate species. In addition, this alteration is predicted to be tolerated by in silico analysis. Since supporting evidence is limited at this time, the clinical significance of this alteration remains unclear.

Labcorp Genetics (formerly Invitae), Labcorp
Classification: Uncertain significance for Microcephaly, normal intelligence and immunodeficiency. Last evaluated: 2023-07-12. Review status: criteria provided, single submitter. Criteria: Invitae Variant Classification Sherloc (09022015). Collection method: clinical testing. Allele origin: germline.
Comment: This variant is not present in population databases (gnomAD no frequency). This sequence change replaces glycine, which is neutral and non-polar, with valine, which is neutral and non-polar, at codon 680 of the NBN protein (p.Gly680Val). This variant has not been reported in the literature in individuals affected with NBN-related conditions. ClinVar contains an entry for this variant (Variation ID: 820572). An algorithm developed to predict the effect of missense changes on protein structure and function (PolyPhen-2) suggests that this variant is likely to be disruptive. In summary, the available evidence is currently insufficient to determine the role of this variant in disease. Therefore, it has been classified as a Variant of Uncertain Significance.

Genome-Nilou Lab
Classification: Uncertain significance for Microcephaly, normal intelligence and immunodeficiency. Last evaluated: 2021-11-07. Review status: criteria provided, single submitter. Criteria: ACMG Guidelines, 2015. Collection method: clinical testing. Allele origin: germline. Affected: no.

Natera, Inc.
Classification: Uncertain significance for Nijmegen breakage syndrome. Last evaluated: 2020-03-10. Review status: no assertion criteria provided. Collection method: clinical testing. Allele origin: germline. Not counted in ClinVar's aggregate classification.